The following is an entry in ClinVar:

ClinVar aggregate classification (germline): Uncertain significance (1 of 4 stars; one submission).

Conditions:
Inborn genetic diseases. Identifiers: MedGen C0950123, MeSH D030342.

Submission:

Ambry Genetics
Classification: Uncertain significance for Inborn genetic diseases. Last evaluated: 2025-12-16. Review status: criteria provided, single submitter. Criteria: Ambry Variant Classification Scheme 2023. Collection method: clinical testing. Allele origin: germline.
Comment: The c.3584A>G (p.D1195G) alteration is located in exon 25 (coding exon 24) of the SMARCA2 gene. This alteration results from a A to G substitution at nucleotide position 3584, causing the aspartic acid (D) at amino acid position 1195 to be replaced by a glycine (G). This variant was not reported in population-based cohorts in the Genome Aggregation Database (gnomAD). This amino acid position is highly conserved in available vertebrate species. This alteration is predicted to be deleterious by in silico analysis. Based on insufficient or conflicting evidence, the clinical significance of this alteration remains unclear.

NM_003070.5(SMARCA2):c.3584A>G (p.Asp1195Gly)

Gene: SMARCA2 (SWI/SNF related BAF chromatin remodeling complex subunit ATPase 2; plus strand). Cytogenetic location: 9p24.3.
Variant type: single nucleotide variant.
Coding change: c.3584A>G on transcript NM_003070.5 (MANE Select); coding-DNA position 3584, A replaced by G.
Protein change: p.Asp1195Gly; replaces aspartic acid 1195 with glycine.
Molecular consequence: missense variant.
Genome position (GRCh38, 1-based): chr9:2,115,949, A>G. VCF-style: chr9-2115949-A-G. GRCh37 (hg19) VCF-style: chr9-2115949-A-G.
Other names: c.3584A>G, p.Asp1195Gly (NM_001289396.2, NM_139045.4); c.3410A>G, p.Asp1137Gly (NM_001289397.2); short protein forms D1137G, D1195G.
Identifiers: ClinVar variation 4631620 (VCV004631620.2).